The following is an entry in ClinVar:

NM_001378743.1(CYLD):c.890_892delinsGT (p.Leu297fs)

Gene: CYLD (CYLD lysine 63 deubiquitinase; plus strand). Cytogenetic location: 16q12.1.
Variant type: Indel.
Coding change: c.890_892delinsGT on transcript NM_001378743.1 (MANE Select); coding-DNA positions 890 to 892, TGC replaced by GT.
Protein change: p.Leu297fs; shifts the reading frame from leucine 297.
Molecular consequence: frameshift variant. On other transcripts: non-coding transcript variant (1).
Genome position (GRCh38, 1-based): chr16:50,754,401-50,754,403, TGC replaced by GT. VCF-style: chr16-50754401-TGC-GT. GRCh37 (hg19) VCF-style: chr16-50788312-TGC-GT.
Other names: c.890_892delinsGT, p.Leu297fs (NM_001042355.2, NM_001042412.3, NM_001378744.1 and 10 more transcripts); c.224_226delinsGT, p.Leu75fs (NM_001378754.1, NM_001378755.1); short protein forms L297fs, L75fs.
Identifiers: ClinVar variation 3067806 (VCV003067806.21), dbSNP rs2506849137, ClinGen allele CA2825002439.

ClinVar aggregate classification (germline): Pathogenic (1 of 4 stars; one submission).

Submission:

CeGaT Center for Human Genetics Tuebingen
Classification: Pathogenic. Last evaluated: 2024-03-01. Review status: criteria provided, single submitter. Criteria: CeGaT Center For Human Genetics Tuebingen Variant Classification Criteria Version 2. Collection method: clinical testing. Allele origin: germline. Affected: yes. Observed: 1 variant allele.
Comment: CYLD: PVS1, PM2